The following is an entry in ClinVar:

ClinVar aggregate classification (germline): Uncertain significance (1 of 4 stars; one submission).

Conditions:
Myofibrillar myopathy 5. Also called: FILAMINOPATHY, AUTOSOMAL DOMINANT; Filaminopathy (type). Identifiers: Orphanet 171445, MedGen C1836050, MONDO:0012289, OMIM 609524.
Distal myopathy with posterior leg and anterior hand involvement. Also called: WILLIAMS DISTAL MYOPATHY. Identifiers: Orphanet 63273, MedGen C3279722, MONDO:0013550, OMIM 614065.
Hypertrophic cardiomyopathy 26. Also called: Cardiomyopathy, familial hypertrophic, 26. Identifiers: Orphanet 75249, MedGen C4310749, MONDO:0014883, OMIM 617047.

Submission:

Labcorp Genetics (formerly Invitae), Labcorp
Classification: Uncertain significance for Distal myopathy with posterior leg and anterior hand involvement; Myofibrillar myopathy 5; Hypertrophic cardiomyopathy 26. Last evaluated: 2019-11-29. Review status: criteria provided, single submitter. Criteria: Invitae Variant Classification Sherloc (09022015). Collection method: clinical testing. Allele origin: germline.
Comment: In summary, the available evidence is currently insufficient to determine the role of this variant in disease. Therefore, it has been classified as a Variant of Uncertain Significance. Algorithms developed to predict the effect of sequence changes on RNA splicing suggest that this variant may create or strengthen a splice site, but this prediction has not been confirmed by published transcriptional studies. Algorithms developed to predict the effect of missense changes on protein structure and function are either unavailable or do not agree on the potential impact of this missense change (SIFT: "Deleterious"; PolyPhen-2: "Probably Damaging"; Align-GVGD: "Class C0"). This variant has not been reported in the literature in individuals with FLNC-related conditions. This variant is not present in population databases (ExAC no frequency). This sequence change replaces aspartic acid with tyrosine at codon 124 of the FLNC protein (p.Asp124Tyr). The aspartic acid residue is highly conserved and there is a large physicochemical difference between aspartic acid and tyrosine.

NM_001458.5(FLNC):c.370G>T (p.Asp124Tyr)

Gene: FLNC (filamin C; plus strand). Cytogenetic location: 7q32.1.
Variant type: single nucleotide variant.
Coding change: c.370G>T on transcript NM_001458.5 (MANE Select); coding-DNA position 370, G replaced by T.
Protein change: p.Asp124Tyr; replaces aspartic acid 124 with tyrosine.
Molecular consequence: missense variant.
Genome position (GRCh38, 1-based): chr7:128,835,343, G>T. VCF-style: chr7-128835343-G-T. GRCh37 (hg19) VCF-style: chr7-128475397-G-T.
Other names: c.370G>T, p.Asp124Tyr (NM_001127487.2); short protein forms D124Y.
Identifiers: ClinVar variation 853543 (VCV000853543.10), dbSNP rs1808053038, ClinGen allele CA369218608.
Genomic context (GRCh38, chr7:128,835,343, plus strand): 5'-GGGTGGGGCGCCCCTGAGCCCGTCTGTGCCCTCCCCTCTGCAGACAGCAAGGCCATCGTG[G>T]ATGGGAACCTGAAGCTGATCCTGGGCCTGATCTGGACGCTGATCCTGCACTACTCCATCT-3'
Protein context (NP_001449.3, residues 114-134): LVSIDSKAIV[Asp124Tyr]GNLKLILGLI